The following is an entry in ClinVar:

NM_001486.4(GCKR):c.90C>T (p.Ile30=)

Gene: GCKR (glucokinase regulator; plus strand). Cytogenetic location: 2p23.3.
Variant type: single nucleotide variant.
Coding change: c.90C>T on transcript NM_001486.4 (MANE Select); coding-DNA position 90, C replaced by T.
Protein change: p.Ile30=; no amino-acid change (isoleucine 30 retained).
Molecular consequence: synonymous variant.
Genome position (GRCh38, 1-based): chr2:27,497,273, C>T. VCF-style: chr2-27497273-C-T. GRCh37 (hg19) VCF-style: chr2-27720140-C-T.
Identifiers: ClinVar variation 3342409 (VCV003342409.1).
Genomic context (GRCh38, chr2:27,497,273, plus strand): 5'-CTGCTCCATCCTTGTCCCCTCTTCCTTCTAGTTGTCTGGGTACGAGGCAGCTGTGCCAAT[C>T]ACGGAGAAGTCAAACCCACTGACCCAGGATCTAGACAAAGCAGATGCTGAGAACATTGTT-3'
Protein context (NP_001477.2, residues 20-40): ELSGYEAAVP[Ile30=]TEKSNPLTQD

ClinVar aggregate classification (germline): Uncertain significance (1 of 4 stars; one submission).

gnomAD v4.1: 1 of 1,614,184 alleles (0.000062%); highest among the groups gnomAD compares: African/African-American, 0.0013%; no homozygotes.

Submission:

GeneDx
Classification: Uncertain significance. Last evaluated: 2023-12-13. Review status: criteria provided, single submitter. Criteria: GeneDx Variant Classification Process June 2021. Collection method: clinical testing. Allele origin: germline. Affected: yes.
Comment: Has not been previously published as pathogenic or benign to our knowledge; Not observed at significant frequency in large population cohorts (gnomAD); In silico analysis supports that this variant does not alter splicing